The following is an entry in ClinVar:

NM_002500.5(NEUROD1):c.944G>T (p.Gly315Val)

Gene: NEUROD1 (neuronal differentiation 1; minus strand). Cytogenetic location: 2q31.3.
Variant type: single nucleotide variant.
Coding change: c.944G>T on transcript NM_002500.5 (MANE Select); coding-DNA position 944, G replaced by T.
Protein change: p.Gly315Val; replaces glycine 315 with valine.
Molecular consequence: missense variant.
Genome position (GRCh38, 1-based): chr2:181,677,917, C>A on the plus strand (G>T on the coding strand, the complement: NEUROD1 is on the minus strand). VCF-style: chr2-181677917-C-A. GRCh37 (hg19) VCF-style: chr2-182542644-C-A.
Other names: short protein forms G315V.
Identifiers: ClinVar variation 1377228 (VCV001377228.6), dbSNP rs1559135056, ClinGen allele CA349782502.

ClinVar aggregate classification (germline): Uncertain significance (1 of 4 stars; one submission).

Allele frequency attached by ClinVar (database versions not stated): gnomAD exomes below 0.00001.
gnomAD v4.1: 2 of 1,614,156 alleles (0.00012%); highest among the groups gnomAD compares: Non-Finnish European, 0.000085%; no homozygotes.

Submission:

Labcorp Genetics (formerly Invitae), Labcorp
Classification: Uncertain significance. Last evaluated: 2022-09-06. Review status: criteria provided, single submitter. Criteria: Invitae Variant Classification Sherloc (09022015). Collection method: clinical testing. Allele origin: germline.
Comment: This sequence change replaces glycine, which is neutral and non-polar, with valine, which is neutral and non-polar, at codon 315 of the NEUROD1 protein (p.Gly315Val). This variant is not present in population databases (gnomAD no frequency). This variant has not been reported in the literature in individuals affected with NEUROD1-related conditions. ClinVar contains an entry for this variant (Variation ID: 1377228). Algorithms developed to predict the effect of missense changes on protein structure and function are either unavailable or do not agree on the potential impact of this missense change (SIFT: "Deleterious"; PolyPhen-2: "Benign"; Align-GVGD: "Class C15"). Algorithms developed to predict the effect of sequence changes on RNA splicing suggest that this variant may create or strengthen a splice site. In summary, the available evidence is currently insufficient to determine the role of this variant in disease. Therefore, it has been classified as a Variant of Uncertain Significance.